The following is an entry in ClinVar:

ClinVar aggregate classification (germline): Pathogenic (1 of 4 stars; one submission).

Conditions:
COG1 congenital disorder of glycosylation (CDG2G). Also called: CONGENITAL DISORDER OF GLYCOSYLATION, TYPE IIg; CDG IIg; CDGII/COG1 CEREBROCOSTOMANDIBULAR-LIKE SYNDROME. Identifiers: Orphanet 263508, MedGen C2931011, MONDO:0012637, OMIM 611209.

Submission:

Labcorp Genetics (formerly Invitae), Labcorp
Classification: Pathogenic for COG1 congenital disorder of glycosylation. Last evaluated: 2025-06-11. Review status: criteria provided, single submitter. Criteria: Invitae Variant Classification Sherloc (09022015). Collection method: clinical testing. Allele origin: germline.
Comment: This sequence change creates a premature translational stop signal (p.Gln312*) in the COG1 gene. It is expected to result in an absent or disrupted protein product. Loss-of-function variants in COG1 are known to be pathogenic (PMID: 16537452). This variant is not present in population databases (gnomAD no frequency). This variant has not been reported in the literature in individuals affected with COG1-related conditions. For these reasons, this variant has been classified as Pathogenic.

Literature cited by the submitters: PubMed 16537452.

NM_018714.3(COG1):c.934C>T (p.Gln312Ter)

Genes: COG1 (component of oligomeric golgi complex 1; plus strand), LOC126862634 (CDK7 strongly-dependent group 2 enhancer GRCh37_chr17:71195948-71197147; plus strand). Cytogenetic location: 17q25.1.
Variant type: single nucleotide variant.
Coding change: c.934C>T on transcript NM_018714.3 (MANE Select); coding-DNA position 934, C replaced by T.
Protein change: p.Gln312Ter; replaces glutamine 312 with a stop codon.
Molecular consequence: nonsense.
Genome position (GRCh38, 1-based): chr17:73,199,885, C>T. VCF-style: chr17-73199885-C-T. GRCh37 (hg19) VCF-style: chr17-71196024-C-T.
Other names: short protein forms Q312*.
Identifiers: ClinVar variation 4776375 (VCV004776375.1).